The following is an entry in ClinVar:

NM_004817.4(TJP2):c.1087T>C (p.Leu363=)

Gene: TJP2 (tight junction protein 2; plus strand). Cytogenetic location: 9q21.11.
Variant type: single nucleotide variant.
Coding change: c.1087T>C on transcript NM_004817.4 (MANE Select); coding-DNA position 1087, T replaced by C.
Protein change: p.Leu363=; no amino-acid change (leucine 363 retained).
Molecular consequence: synonymous variant.
Genome position (GRCh38, 1-based): chr9:69,226,052, T>C. VCF-style: chr9-69226052-T-C. GRCh37 (hg19) VCF-style: chr9-71840968-T-C.
Other names: c.1087T>C, p.Leu363= (LRG_1201t1, NM_001369872.1, NM_001369873.1 and 1 more transcripts); c.1087T>C (NM_004817.3); c.1018T>C, p.Leu340= (NM_001170414.2, NM_001369870.1, NM_001369871.1); c.1099T>C, p.Leu367= (NM_001170415.1, NM_001369874.1, NM_001369875.1); c.1180T>C, p.Leu394= (NM_001170416.2).
Identifiers: ClinVar variation 597513 (VCV000597513.6), dbSNP rs1051910552, ClinGen allele CA193358553.

ClinVar aggregate classification (germline): Conflicting classifications of pathogenicity. Review status: criteria provided, conflicting classifications (1 of 4 stars). 2 submissions from 2 submitters: Uncertain significance (1); Likely benign (1). Last evaluated 2025-02-21.

Conditions:
TJP2-related disorder. Also called: TJP2-related condition.

Allele frequency attached by ClinVar (database versions not stated): gnomAD exomes below 0.00001; gnomAD 0.00002; TOPMed 0.00002.
gnomAD v4.1: 4 of 1,614,080 alleles (0.00025%); highest among the groups gnomAD compares: African/African-American, 0.0053%; no homozygotes.

Submissions (2):

PreventionGenetics, part of Exact Sciences
Classification: Likely benign for TJP2-related condition. Last evaluated: 2025-02-21. Review status: criteria provided, single submitter. Criteria: ACMG Guidelines, 2015. Collection method: clinical testing. Allele origin: germline.
Comment: This variant is classified as likely benign based on ACMG/AMP sequence variant interpretation guidelines (Richards et al. 2015 PMID: 25741868, with internal and published modifications).

Eurofins Ntd Llc (ga)
Classification: Uncertain significance. Last evaluated: 2018-06-14. Review status: criteria provided, single submitter. Criteria: EGL ClinVar v180209 classification definitions. Collection method: clinical testing. Allele origin: germline. Observed: 1 variant allele, 1 heterozygote.